The following is an entry in ClinVar:

ClinVar aggregate classification (germline): Uncertain significance (0 of 4 stars; one submission).

Conditions:
MYH10-related disorder. Also called: MYH10-related condition.

gnomAD v4.1: 1 of 1,614,164 alleles (0.000062%); highest among the groups gnomAD compares: Non-Finnish European, 0.000085%; no homozygotes.

Submission:

PreventionGenetics, part of Exact Sciences
Classification: Uncertain significance for MYH10-related condition. Last evaluated: 2024-08-23. Review status: no assertion criteria provided. Collection method: clinical testing. Allele origin: germline.
Comment: The MYH10 c.3878A>G variant is predicted to result in the amino acid substitution p.Gln1293Arg. To our knowledge, this variant has not been reported in the literature or in a large population database, indicating this variant is rare. At this time, the clinical significance of this variant is uncertain due to the absence of conclusive functional and genetic evidence.

NM_001256012.3(MYH10):c.3878A>G (p.Gln1293Arg)

Gene: MYH10 (myosin heavy chain 10; minus strand). Cytogenetic location: 17p13.1.
Variant type: single nucleotide variant.
Coding change: c.3878A>G on transcript NM_001256012.3 (MANE Select); coding-DNA position 3878, A replaced by G.
Protein change: p.Gln1293Arg; replaces glutamine 1293 with arginine.
Molecular consequence: missense variant.
Genome position (GRCh38, 1-based): chr17:8,499,343, T>C on the plus strand (A>G on the coding strand, the complement: MYH10 is on the minus strand). VCF-style: chr17-8499343-T-C. GRCh37 (hg19) VCF-style: chr17-8402661-T-C.
Other names: c.3812A>G, p.Gln1271Arg (NM_001256095.2); c.3815A>G, p.Gln1272Arg (NM_001375266.1); c.3785A>G, p.Gln1262Arg (NM_005964.5); short protein forms Q1262R, Q1271R, Q1272R, Q1293R.
Identifiers: ClinVar variation 3347100 (VCV003347100.1).